The following is an entry in ClinVar:

ClinVar aggregate classification (germline): Conflicting classifications of pathogenicity. Review status: criteria provided, conflicting classifications (1 of 4 stars). 4 submissions from 4 submitters: Uncertain significance (1); Likely benign (3). Last evaluated 2024-09-24.

Conditions:
Hereditary cancer-predisposing syndrome. Also called: Neoplastic Syndromes, Hereditary; Tumor predisposition; Hereditary neoplastic syndrome; Hereditary Cancer Syndrome. Identifiers: Orphanet 140162, MedGen C0027672, MeSH D009386, MONDO:0015356.
Tuberous sclerosis 2 (TSC2). Identifiers: Orphanet 805, MedGen C1860707, MONDO:0013199, OMIM 613254.

Allele frequency attached by ClinVar (database versions not stated): gnomAD exomes below 0.00001 and 0.00001; ExAC 0.00001; TOPMed 0.00001.
gnomAD v4.1: 13 of 1,612,794 alleles (0.00081%); highest among the groups gnomAD compares: Non-Finnish European, 0.0011%; no homozygotes.

Submissions (4):

Labcorp Genetics (formerly Invitae), Labcorp
Classification: Likely benign for Tuberous sclerosis 2. Last evaluated: 2024-09-24. Review status: criteria provided, single submitter. Criteria: Invitae Variant Classification Sherloc (09022015). Collection method: clinical testing. Allele origin: germline.

Ambry Genetics
Classification: Uncertain significance for Hereditary cancer-predisposing syndrome. Last evaluated: 2024-06-14. Review status: criteria provided, single submitter. Criteria: Ambry Variant Classification Scheme 2023. Collection method: clinical testing. Allele origin: germline.
Comment: The p.E1756D variant (also known as c.5268G>C), located in coding exon 41 of the TSC2 gene, results from a G to C substitution at nucleotide position 5268. The glutamic acid at codon 1756 is replaced by aspartic acid, an amino acid with highly similar properties. This amino acid position is highly conserved in available vertebrate species. In addition, the in silico prediction for this alteration is inconclusive. Based on the available evidence, the clinical significance of this variant remains unclear.

Genome-Nilou Lab
Classification: Likely benign for Tuberous sclerosis 2. Last evaluated: 2021-11-07. Review status: criteria provided, single submitter. Criteria: ACMG Guidelines, 2015. Collection method: clinical testing. Allele origin: germline. Affected: no.

GeneDx
Classification: Likely benign. Last evaluated: 2018-05-08. Review status: criteria provided, single submitter. Criteria: GeneDx Variant Classification (06012015). Collection method: clinical testing. Allele origin: germline. Affected: yes.
Comment: This variant is considered likely benign or benign based on one or more of the following criteria: it is a conservative change, it occurs at a poorly conserved position in the protein, it is predicted to be benign by multiple in silico algorithms, and/or has population frequency not consistent with disease.

NM_000548.5(TSC2):c.5268G>C (p.Glu1756Asp)

Gene: TSC2 (TSC complex subunit 2; plus strand). Cytogenetic location: 16p13.3.
Variant type: single nucleotide variant.
Coding change: c.5268G>C on transcript NM_000548.5 (MANE Select); coding-DNA position 5268, G replaced by C.
Protein change: p.Glu1756Asp; replaces glutamic acid 1756 with aspartic acid.
Molecular consequence: missense variant.
Genome position (GRCh38, 1-based): chr16:2,088,454, G>C. VCF-style: chr16-2088454-G-C. GRCh37 (hg19) VCF-style: chr16-2138455-G-C.
Other names: c.5067G>C, p.Glu1689Asp (NM_001077183.3); c.5199G>C, p.Glu1733Asp (NM_001114382.3); c.4959G>C, p.Glu1653Asp (NM_001318827.2); c.4923G>C, p.Glu1641Asp (NM_001318829.2); c.4536G>C, p.Glu1512Asp (NM_001318831.2); c.5100G>C, p.Glu1700Asp (NM_001318832.2); c.5070G>C, p.Glu1690Asp (NM_001363528.2); c.5136G>C, p.Glu1712Asp (NM_001370404.1); and 2 more; short protein forms E1700D, E1709D, E1713D, E1733D, E1756D, E1641D, E1653D, E1689D.
Identifiers: ClinVar variation 680371 (VCV000680371.17), dbSNP rs755229386, ClinGen allele CA054895.